The following is an entry in ClinVar:

NM_001164508.2(NEB):c.12547G>T (p.Glu4183Ter)

Gene: NEB (nebulin; minus strand). Cytogenetic location: 2q23.3.
Variant type: single nucleotide variant.
Coding change: c.12547G>T on transcript NM_001164508.2 (MANE Select); coding-DNA position 12547, G replaced by T.
Protein change: p.Glu4183Ter; replaces glutamic acid 4183 with a stop codon.
Molecular consequence: nonsense. On other transcripts: intron variant (1).
Genome position (GRCh38, 1-based): chr2:151,607,596, C>A on the plus strand (G>T on the coding strand, the complement: NEB is on the minus strand). VCF-style: chr2-151607596-C-A. GRCh37 (hg19) VCF-style: chr2-152464110-C-A.
Other names: c.12547G>T, p.Glu4183Ter (NM_001164507.2, NM_001271208.2); c.11601+2213G>T (NM_004543.5); short protein forms E4183*.
Identifiers: ClinVar variation 3075930 (VCV003075930.1), dbSNP rs2552225601, ClinGen allele CA348775213.
Genomic context (GRCh38, chr2:151,607,596, plus strand): 5'-GCAGCATCTCCGGAGTATCAGAAGGAATGGTGATGTTGCTTTTATCTTTATTCCAGGCTT[C>A]CTGATACAGTTTCTGTGGAGAGGAGGGAAATAGGGAATCAATATCTGAAACATTAAGCCT-3'

ClinVar aggregate classification (germline): Likely pathogenic (1 of 4 stars; one submission).

Conditions:
Nemaline myopathy. Also called: Myopathies, Nemaline. Identifiers: Orphanet 607, MedGen C0206157, MONDO:0018958.

Submission:

Laboratory for Molecular Medicine, Mass General Brigham Personalized Medicine
Classification: Likely pathogenic for Nemaline myopathy. Last evaluated: 2023-02-02. Review status: criteria provided, single submitter. Criteria: ACMG Guidelines, 2015. Collection method: clinical testing. Allele origin: germline.
Comment: The p.Glu4183X in NEB has not been previously reported in individuals with nemaline myopathy and was absent from large population studies. This nonsense variant leads to a premature termination codon at position 4183, which is predicted to lead to a truncated or absent protein. Loss of function of the NEB gene is an established disease mechanism in autosomal recessive nemaline myopathy. In summary, although additional studies are required to fully establish its clinical significance, this variant meets criteria to be classified as likely pathogenic for autosomal recessive nemaline myopathy. ACMG/AMP Criteria applied: PVS1, PM2_Supporting.